The following is an entry in ClinVar:

ClinVar aggregate classification (germline): Uncertain significance. Review status: criteria provided, multiple submitters, no conflicts (2 of 4 stars). 2 submissions from 2 submitters: Uncertain significance (2). Last evaluated 2024-08-28.

Conditions:
Actin accumulation myopathy (CMYO2A). Also called: CONGENITAL MYOPATHY 2A, TYPICAL, AUTOSOMAL DOMINANT; Myopathy, actin, congenital, with cores; Nemaline myopathy 3, with intranuclear rods; Nemaline myopathy type 3; Myopathy, actin, congenital, with excess of thin myofilaments. Identifiers: Orphanet 98904, MedGen C3711389, MONDO:0008070, OMIM 161800.

Allele frequency attached by ClinVar (database versions not stated): gnomAD 0.00001; gnomAD exomes 0.00001; TOPMed 0.00001.

Submissions (2):

Blueprint Genetics
Classification: Uncertain significance. Last evaluated: 2024-08-28. Review status: criteria provided, single submitter. Criteria: ACMG Guidelines, 2015. Collection method: clinical testing. Allele origin: germline.

Labcorp Genetics (formerly Invitae), Labcorp
Classification: Uncertain significance for Actin accumulation myopathy. Last evaluated: 2024-03-11. Review status: criteria provided, single submitter. Criteria: Invitae Variant Classification Sherloc (09022015). Collection method: clinical testing. Allele origin: germline.
Comment: This sequence change replaces phenylalanine, which is neutral and non-polar, with leucine, which is neutral and non-polar, at codon 202 of the ACTA1 protein (p.Phe202Leu). This variant is not present in population databases (gnomAD no frequency). This missense change has been observed in individual(s) with clinical features of ACTA1-related conditions (Invitae). ClinVar contains an entry for this variant (Variation ID: 464127). Advanced modeling of protein sequence and biophysical properties (such as structural, functional, and spatial information, amino acid conservation, physicochemical variation, residue mobility, and thermodynamic stability) performed at Invitae indicates that this missense variant is not expected to disrupt ACTA1 protein function with a negative predictive value of 80%. In summary, the available evidence is currently insufficient to determine the role of this variant in disease. Therefore, it has been classified as a Variant of Uncertain Significance.

NM_001100.4(ACTA1):c.606C>A (p.Phe202Leu)

Gene: ACTA1 (actin alpha 1, skeletal muscle; minus strand). Cytogenetic location: 1q42.13.
Variant type: single nucleotide variant.
Coding change: c.606C>A on transcript NM_001100.4 (MANE Select); coding-DNA position 606, C replaced by A.
Protein change: p.Phe202Leu; replaces phenylalanine 202 with leucine.
Molecular consequence: missense variant.
Genome position (GRCh38, 1-based): chr1:229,432,280, G>T on the plus strand (C>A on the coding strand, the complement: ACTA1 is on the minus strand). VCF-style: chr1-229432280-G-T. GRCh37 (hg19) VCF-style: chr1-229568027-G-T.
Other names: short protein forms F202L.
Identifiers: ClinVar variation 464127 (VCV000464127.8), dbSNP rs1255258064, ClinGen allele CA345147799.